The following is an entry in ClinVar:

NM_001372.4(DNAH9):c.10705C>T (p.Gln3569Ter)

Genes: DNAH9 (dynein axonemal heavy chain 9; plus strand), LOC101928350 (uncharacterized LOC101928350; minus strand). Cytogenetic location: 17p12.
Variant type: single nucleotide variant.
Coding change: c.10705C>T on transcript NM_001372.4 (MANE Select); coding-DNA position 10705, C replaced by T.
Protein change: p.Gln3569Ter; replaces glutamine 3569 with a stop codon.
Molecular consequence: nonsense.
Genome position (GRCh38, 1-based): chr17:11,881,312, C>T. VCF-style: chr17-11881312-C-T. GRCh37 (hg19) VCF-style: chr17-11784629-C-T.
Other names: short protein forms Q3569*.
Identifiers: ClinVar variation 3357150 (VCV003357150.1).
Genomic context (GRCh38, chr17:11,881,312, plus strand): 5'-TTCCGGCTCATCCTCCACACCAAGCTGGCTAATCCTCACTACCAGCCTGAGCTGCAGGCT[C>T]AGGCCACCCTGATCAACTTCACCGTGACCAGGGATGGCCTGGAGGACCAGTTGCTGGCCG-3'

ClinVar aggregate classification (germline): Likely pathogenic (0 of 4 stars; one submission).

Conditions:
DNAH9-related disorder. Also called: DNAH9-related condition.

Submission:

PreventionGenetics, part of Exact Sciences
Classification: Likely pathogenic for DNAH9-related condition. Last evaluated: 2024-06-06. Review status: no assertion criteria provided. Collection method: clinical testing. Allele origin: germline.
Comment: The DNAH9 c.10705C>T variant is predicted to result in premature protein termination (p.Gln3569*). To our knowledge, this variant has not been reported in the literature or in a large population database, indicating this variant is rare. Nonsense variants in DNAH9 are expected to be pathogenic. This variant is interpreted as likely pathogenic.